The following is an entry in ClinVar:

ClinVar aggregate classification (germline): Pathogenic. Review status: criteria provided, multiple submitters, no conflicts (2 of 4 stars). 2 submissions from 2 submitters: Pathogenic (2). Last evaluated 2026-03-25.

Conditions:
F5-related disorder. Also called: F5-related condition.
Factor V deficiency. Also called: Reduced coagulation factor V activity. Identifiers: Orphanet 326, MedGen C4317320, MONDO:0020586, HP:0003225.

Allele frequency attached by ClinVar (database versions not stated): gnomAD exomes below 0.00001 and 0.00001; ExAC 0.00001; gnomAD 0.00001.
gnomAD v4.1: 4 of 1,613,624 alleles (0.00025%); highest among the groups gnomAD compares: Non-Finnish European, 0.00017%; no homozygotes.

Submissions (2):

PreventionGenetics, part of Exact Sciences
Classification: Pathogenic for F5-related condition. Last evaluated: 2026-03-25. Review status: criteria provided, single submitter. Criteria: ACMG Guidelines, 2015. Collection method: clinical testing. Allele origin: germline.
Comment: The F5 c.5365C>T variant is predicted to result in premature protein termination (p.Arg1789*). This variant was reported in an individual with coagulation disorder (Table S3, Downes et al. 2019. PubMed ID: 31064749). This variant is reported in 0.0099% of alleles in individuals of Ashkenazi Jewish descent in gnomAD. Nonsense variants in F5 are expected to be pathogenic. This variant is interpreted as pathogenic.

NIHR Bioresource Rare Diseases, University of Cambridge
Classification: Pathogenic for Congenital factor V deficiency. Last evaluated: 2019-02-01. Review status: criteria provided, single submitter. Criteria: ACMG Guidelines, 2015. Collection method: research. Allele origin: unknown. Affected: yes. Observed: 1 heterozygote. Study: ThromboGenomics.

Literature cited by the submitters: PubMed 31064749 (cited by NIHR Bioresource Rare Diseases, University of Cambridge).

NM_000130.5(F5):c.5365C>T (p.Arg1789Ter)

Gene: F5 (coagulation factor V; minus strand). Cytogenetic location: 1q24.2.
Variant type: single nucleotide variant.
Coding change: c.5365C>T on transcript NM_000130.5 (MANE Select); coding-DNA position 5365, C replaced by T.
Protein change: p.Arg1789Ter; replaces arginine 1789 with a stop codon.
Molecular consequence: nonsense.
Genome position (GRCh38, 1-based): chr1:169,529,662, G>A on the plus strand (C>T on the coding strand, the complement: F5 is on the minus strand). VCF-style: chr1-169529662-G-A. GRCh37 (hg19) VCF-style: chr1-169498900-G-A.
Other names: short protein forms R1789*.
Identifiers: ClinVar variation 627332 (VCV000627332.3), dbSNP rs201790842, ClinGen allele CA1233522.